The following is an entry in ClinVar:

ClinVar aggregate classification (germline): Uncertain significance. Review status: criteria provided, multiple submitters, no conflicts (2 of 4 stars). 2 submissions from 2 submitters: Uncertain significance (2). Last evaluated 2025-04-17.

Conditions:
Nephronophthisis. Also called: Juvenile Nephronophthisis. Identifiers: Orphanet 655, MedGen C0687120, MONDO:0019005, HP:0000090.
NPHP3-related Meckel-like syndrome. Also called: GOLDSTON SYNDROME; Meckel syndrome type 7. Identifiers: Orphanet 3032, MedGen C2673885, MONDO:0009966, OMIM 267010.
Nephronophthisis 3 (NPHP3). Also called: Adolescent nephronophthisis. Identifiers: Orphanet 655, MedGen C1858392, MONDO:0011456, OMIM 604387.
Renal-hepatic-pancreatic dysplasia 1 (RHPD1). Identifiers: MedGen C3715199, MONDO:0008833, OMIM 208540.

Allele frequency attached by ClinVar (database versions not stated): ExAC 0.00001; gnomAD 0.00001; TOPMed 0.00001; ESP Exome Variant Server 0.00008.
gnomAD v4.1: 2 of 1,613,982 alleles (0.00012%); highest among the groups gnomAD compares: African/African-American, 0.0027%; no homozygotes.

Submissions (2):

Labcorp Genetics (formerly Invitae), Labcorp
Classification: Uncertain significance for Nephronophthisis. Last evaluated: 2025-04-17. Review status: criteria provided, single submitter. Criteria: Invitae Variant Classification Sherloc (09022015). Collection method: clinical testing. Allele origin: germline.
Comment: This sequence change replaces tyrosine, which is neutral and polar, with phenylalanine, which is neutral and non-polar, at codon 714 of the NPHP3 protein (p.Tyr714Phe). This variant is present in population databases (rs372011587, gnomAD 0.007%). This missense change has been observed in individual(s) with NPHP3-related conditions (internal data). In at least one individual the data is consistent with being in trans (on the opposite chromosome) from a pathogenic variant. ClinVar contains an entry for this variant (Variation ID: 2187750). Invitae Evidence Modeling of protein sequence and biophysical properties (such as structural, functional, and spatial information, amino acid conservation, physicochemical variation, residue mobility, and thermodynamic stability) has been performed for this missense variant. However, the output from this modeling did not meet the statistical confidence thresholds required to predict the impact of this variant on NPHP3 protein function. In summary, the available evidence is currently insufficient to determine the role of this variant in disease. Therefore, it has been classified as a Variant of Uncertain Significance.

Fulgent Genetics
Classification: Uncertain significance for Renal-hepatic-pancreatic dysplasia 1; NPHP3-related Meckel-like syndrome; Nephronophthisis 3. Last evaluated: 2024-05-19. Review status: criteria provided, single submitter. Criteria: ACMG Guidelines, 2015. Collection method: clinical testing. Allele origin: germline.

NM_153240.5(NPHP3):c.2141A>T (p.Tyr714Phe)

Genes: NPHP3 (nephrocystin 3; minus strand), NPHP3-ACAD11 (NPHP3-ACAD11 readthrough (NMD candidate); minus strand). Cytogenetic location: 3q22.1.
Variant type: single nucleotide variant.
Coding change: c.2141A>T on transcript NM_153240.5 (MANE Select); coding-DNA position 2141, A replaced by T.
Protein change: p.Tyr714Phe; replaces tyrosine 714 with phenylalanine.
Molecular consequence: missense variant. On other transcripts: non-coding transcript variant (1).
Genome position (GRCh38, 1-based): chr3:132,696,761, T>A on the plus strand (A>T on the coding strand, the complement: NPHP3 is on the minus strand). VCF-style: chr3-132696761-T-A. GRCh37 (hg19) VCF-style: chr3-132415605-T-A.
Other names: short protein forms Y714F.
Identifiers: ClinVar variation 2187750 (VCV002187750.5), dbSNP rs372011587, ClinGen allele CA2622106.
Genomic context (GRCh38, chr3:132,696,761, plus strand): 5'-AGAAGATCATGTAAAATAATCACCACTCACCGCGCGATCATTTTGCCGAAAAGGGTGACA[T>A]AAAGGGCATTGCAGGTTGTAGCAGAACGACAGTGTCGTTCTAGCTTCTTCTCCTGCACCA-3'
Protein context (NP_694972.3, residues 704-724): CRSATTCNAL[Tyr714Phe]VTLFGKMIAR